The following is an entry in ClinVar:

ClinVar aggregate classification (germline): Likely benign (1 of 4 stars; one submission).

Submission:

GeneDx
Classification: Likely benign. Last evaluated: 2018-01-15. Review status: criteria provided, single submitter. Criteria: GeneDx Variant Classification (06012015). Collection method: clinical testing. Allele origin: germline. Affected: yes.
Comment: This variant is considered likely benign or benign based on one or more of the following criteria: it is a conservative change, it occurs at a poorly conserved position in the protein, it is predicted to be benign by multiple in silico algorithms, and/or has population frequency not consistent with disease.

NM_001199107.2(TBC1D24):c.-115-17T>C

Gene: TBC1D24 (TBC1 domain family member 24; plus strand). Cytogenetic location: 16p13.3.
Variant type: single nucleotide variant.
Coding change: c.-115-17T>C on transcript NM_001199107.2 (MANE Select); 17 bases into the intron before 115 bases upstream of the start codon, T replaced by C.
Molecular consequence: intron variant.
Genome position (GRCh38, 1-based): chr16:2,496,017, T>C. VCF-style: chr16-2496017-T-C. GRCh37 (hg19) VCF-style: chr16-2546018-T-C.
Other names: c.-115-17T>C (NM_020705.3).
Identifiers: ClinVar variation 514549 (VCV000514549.1), dbSNP rs891836551, ClinGen allele CA276809595.